The following is an entry in ClinVar:

NM_001330078.2(NRXN1):c.109G>C (p.Glu37Gln)

Gene: NRXN1 (neurexin 1; minus strand). Cytogenetic location: 2p16.3.
Variant type: single nucleotide variant.
Coding change: c.109G>C on transcript NM_001330078.2 (MANE Select); coding-DNA position 109, G replaced by C.
Protein change: p.Glu37Gln; replaces glutamic acid 37 with glutamine.
Molecular consequence: missense variant.
Genome position (GRCh38, 1-based): chr2:51,028,165, C>G on the plus strand (G>C on the coding strand, the complement: NRXN1 is on the minus strand). VCF-style: chr2-51028165-C-G. GRCh37 (hg19) VCF-style: chr2-51255303-C-G.
Other names: c.109G>C, p.Glu37Gln (NM_001135659.3, NM_001330077.2, NM_001330079.2 and 15 more transcripts); short protein forms E37Q.
Identifiers: ClinVar variation 1315950 (VCV001315950.2), dbSNP rs910774989, ClinGen allele CA48054941.
Genomic context (GRCh38, chr2:51,028,165, plus strand): 5'-GGAAGCTCATCTCGCTCTCGCAGCAGGCGTTCCACTTGGGGAAGCGCGTCCATTGGCCCT[C>G]GGCGCCCGGAAACTCCAGCCCGCTGCCCAGCTCCGCCCAGCAGCCCAGGAGCAGCAGCGA-3'
Protein context (NP_001317007.1, residues 27-47): LGSGLEFPGA[Glu37Gln]GQWTRFPKWN

ClinVar aggregate classification (germline): Uncertain significance (1 of 4 stars; one submission).

Allele frequency attached by ClinVar (database versions not stated): gnomAD exomes below 0.00001; gnomAD 0.00001.
gnomAD v4.1: 2 of 1,519,456 alleles (0.00013%); highest among the groups gnomAD compares: South Asian, 0.0025%; no homozygotes.

Submission:

GeneDx
Classification: Uncertain significance. Last evaluated: 2020-02-06. Review status: criteria provided, single submitter. Criteria: GeneDx Variant Classification Process June 2021. Collection method: clinical testing. Allele origin: germline. Affected: yes.
Comment: Not observed in large population cohorts (Lek et al., 2016); In silico analysis supports that this missense variant does not alter protein structure/function; Has not been previously published as pathogenic or benign to our knowledge